The following is an entry in ClinVar:

NM_006312.6(NCOR2):c.1329-4G>A

Gene: NCOR2 (nuclear receptor corepressor 2; minus strand). Cytogenetic location: 12q24.31.
Variant type: single nucleotide variant.
Coding change: c.1329-4G>A on transcript NM_006312.6 (MANE Select); 4 bases into the intron before coding-DNA position 1329, G replaced by A.
Molecular consequence: intron variant.
Genome position (GRCh38, 1-based): chr12:124,422,559, C>T on the plus strand (G>A on the coding strand, the complement: NCOR2 is on the minus strand). VCF-style: chr12-124422559-C-T. GRCh37 (hg19) VCF-style: chr12-124907105-C-T.
Other names: c.1326-4G>A (NM_001077261.4, NM_001206654.2).
Identifiers: ClinVar variation 3060702 (VCV003060702.2), dbSNP rs61751356, ClinGen allele CA6869540.
Genomic context (GRCh38, chr12:124,422,559, plus strand): 5'-ACCTTCCTCTCCAGGAATGATGCGATCAGGCCAAAGTTCTTGGGATGCTGCATGAACCTG[C>T]GGGACGAGAAGGGTGGGCGTGAGACCTGGCCGAGGGGGGCTTTCCTGCGGGGCAGCCGAT-3'

ClinVar aggregate classification (germline): Benign (0 of 4 stars; one submission).

Conditions:
NCOR2-related disorder. Also called: NCOR2-related condition.

Allele frequency attached by ClinVar (database versions not stated): ExAC 0.00393; gnomAD 0.00932; 1000 Genomes Project 30x 0.00968; 1000 Genomes Project 0.00978; ESP Exome Variant Server 0.01035.
gnomAD v4.1: 5,784 of 1,613,850 alleles (0.36%); highest among the groups gnomAD compares: African/African-American, 2.6%; 40 homozygotes.

Submission:

PreventionGenetics, part of Exact Sciences
Classification: Benign for NCOR2-related condition. Last evaluated: 2019-02-21. Review status: no assertion criteria provided. Collection method: clinical testing. Allele origin: germline.
Comment: This variant is classified as benign based on ACMG/AMP sequence variant interpretation guidelines (Richards et al. 2015 PMID: 25741868, with internal and published modifications).